The following is an entry in ClinVar:

ClinVar aggregate classification (germline): Likely benign. Review status: criteria provided, multiple submitters, no conflicts (2 of 4 stars). 3 submissions from 3 submitters: Likely benign (3). Last evaluated 2025-11-03.

Conditions:
POLD1-related polyposis and colorectal cancer syndrome (CRCS10). Also called: Colorectal cancer, susceptibility to, 10; Colorectal cancer 10; COLORECTAL CANCER, SUSCEPTIBILITY TO, ON CHROMOSOME 19q. Identifiers: Orphanet 220460, MedGen C2675481, MONDO:0012953, OMIM 612591.

gnomAD v4.1: 4 of 1,581,062 alleles (0.00025%); highest among the groups gnomAD compares: Non-Finnish European, 0.00035%; no homozygotes.

Submissions (3):

Labcorp Genetics (formerly Invitae), Labcorp
Classification: Likely benign for POLD1-related polyposis and colorectal cancer syndrome. Last evaluated: 2025-11-03. Review status: criteria provided, single submitter. Criteria: Invitae Variant Classification Sherloc (09022015). Collection method: clinical testing. Allele origin: germline.

Myriad Genetics, Inc.
Classification: Likely benign for POLD1-related polyposis and colorectal cancer syndrome. Last evaluated: 2025-02-05. Review status: criteria provided, single submitter. Criteria: Myriad Autosomal Dominant, Autosomal Recessive and X-Linked Classification Criteria (2023). Collection method: clinical testing. Allele origin: unknown.
Comment: This variant is considered likely benign. This variant is intronic and is not expected to impact mRNA splicing.

Blueprint Genetics
Classification: Likely benign. Last evaluated: 2024-02-26. Review status: criteria provided, single submitter. Criteria: ACMG Guidelines, 2015. Collection method: clinical testing. Allele origin: germline.

NM_002691.4(POLD1):c.970+7C>A

Gene: POLD1 (DNA polymerase delta 1, catalytic subunit; plus strand). Cytogenetic location: 19q13.33.
Variant type: single nucleotide variant.
Coding change: c.970+7C>A on transcript NM_002691.4 (MANE Select); 7 bases into the intron after coding-DNA position 970, C replaced by A.
Molecular consequence: intron variant.
Genome position (GRCh38, 1-based): chr19:50,402,748, C>A. VCF-style: chr19-50402748-C-A. GRCh37 (hg19) VCF-style: chr19-50906005-C-A.
Other names: c.970+7C>A (NM_001256849.1, NM_001308632.1).
Identifiers: ClinVar variation 799270 (VCV000799270.11), dbSNP rs1277454071, ClinGen allele CA915951926.